The following is an entry in ClinVar:

NM_000127.3(EXT1):c.1918_1919del (p.Ala640fs)

Gene: EXT1 (exostosin glycosyltransferase 1; minus strand). Cytogenetic location: 8q24.11.
Variant type: Deletion.
Coding change: c.1918_1919del on transcript NM_000127.3 (MANE Select); coding-DNA positions 1918 to 1919, 2 bases deleted (GC; older notation c.1918_1919delGC).
Protein change: p.Ala640fs; shifts the reading frame from alanine 640.
Molecular consequence: frameshift variant.
Genome position (GRCh38, 1-based): chr8:117,804,858-117,804,859, GC deleted on the plus strand (GC on the coding strand, the reverse complement: EXT1 is on the minus strand). VCF-style (leftmost placement, unchanged base first): chr8-117804857-GGC-G. GRCh37 (hg19) VCF-style: chr8-118817096-GGC-G.
Other names: short protein forms A640fs.
Identifiers: ClinVar variation 4734206 (VCV004734206.1).

ClinVar aggregate classification (germline): Pathogenic (1 of 4 stars; one submission).

Conditions:
Multiple congenital exostosis (EXT). Also called: Hereditary multiple osteochondromas; MULTIPLE CARTILAGINOUS EXOSTOSES; Hereditary multiple exostoses; Hereditary multiple exostosis; Multiple osteochondromas; Multiple exostoses. Identifiers: Orphanet 321, MedGen C0015306, MONDO:0005508, HP:0002762.

Submission:

Labcorp Genetics (formerly Invitae), Labcorp
Classification: Pathogenic for Multiple congenital exostosis. Last evaluated: 2025-12-26. Review status: criteria provided, single submitter. Criteria: Invitae Variant Classification Sherloc (09022015). Collection method: clinical testing. Allele origin: germline.
Comment: This sequence change creates a premature translational stop signal (p.Ala640Glnfs*13) in the EXT1 gene. It is expected to result in an absent or disrupted protein product. Loss-of-function variants in EXT1 are known to be pathogenic (PMID: 10679937, 11391482, 19810120). This variant is not present in population databases (gnomAD no frequency). This variant has not been reported in the literature in individuals affected with EXT1-related conditions. For these reasons, this variant has been classified as Pathogenic.

Literature cited by the submitters: PubMed 10679937; PubMed 11391482; PubMed 19810120.